The following is an entry in ClinVar:

ClinVar aggregate classification (germline): Uncertain significance. Review status: criteria provided, multiple submitters, no conflicts (2 of 4 stars). 3 submissions from 3 submitters: Uncertain significance (2). 1 of the submissions does not count toward it. Last evaluated 2025-08-25.

Conditions:
Cardiovascular phenotype. Identifiers: MedGen CN230736.
Alstrom syndrome (ALMS). Identifiers: Orphanet 64, MedGen C0268425, MONDO:0008763, OMIM 203800.

Allele frequency attached by ClinVar (database versions not stated): gnomAD exomes below 0.00001; ExAC 0.00001; TOPMed 0.00008; ESP Exome Variant Server 0.00009; gnomAD 0.00009 and 0.00010.
gnomAD v4.1: 14 of 1,605,180 alleles (0.00087%); highest among the groups gnomAD compares: African/African-American, 0.017%; no homozygotes.

Submissions (3):

Ambry Genetics
Classification: Uncertain significance for Cardiovascular phenotype. Last evaluated: 2025-08-25. Review status: criteria provided, single submitter. Criteria: Ambry Variant Classification Scheme 2023. Collection method: clinical testing. Allele origin: germline.
Comment: The c.1436-3T>C intronic variant results from a T to C substitution 3 nucleotides upstream from coding exon 8 in the ALMS1 gene. This nucleotide position is well conserved in available vertebrate species. In silico splice site analysis predicts that this alteration will not have any significant effect on splicing. Based on the available evidence, the clinical significance of this variant remains unclear.

Labcorp Genetics (formerly Invitae), Labcorp
Classification: Uncertain significance for Alstrom syndrome. Last evaluated: 2022-08-16. Review status: criteria provided, single submitter. Criteria: Invitae Variant Classification Sherloc (09022015). Collection method: clinical testing. Allele origin: germline.
Comment: This sequence change falls in intron 7 of the ALMS1 gene. It does not directly change the encoded amino acid sequence of the ALMS1 protein. It affects a nucleotide within the consensus splice site. This variant is present in population databases (rs367710998, gnomAD 0.02%). This variant has not been reported in the literature in individuals affected with ALMS1-related conditions. ClinVar contains an entry for this variant (Variation ID: 557366). Variants that disrupt the consensus splice site are a relatively common cause of aberrant splicing (PMID: 17576681, 9536098). Algorithms developed to predict the effect of sequence changes on RNA splicing suggest that this variant is not likely to affect RNA splicing. In summary, the available evidence is currently insufficient to determine the role of this variant in disease. Therefore, it has been classified as a Variant of Uncertain Significance.

Counsyl
Classification: Uncertain significance for Alstrom syndrome. Last evaluated: 2018-03-20. Review status: no assertion criteria provided. Collection method: clinical testing. Allele origin: unknown. Not counted in ClinVar's aggregate classification.

Literature cited by the submitters: PubMed 17576681 (cited by Labcorp Genetics (formerly Invitae), Labcorp); PubMed 9536098 (cited by Labcorp Genetics (formerly Invitae), Labcorp).

NM_001378454.1(ALMS1):c.1433-3T>C

Gene: ALMS1 (ALMS1 centrosome and basal body associated protein; plus strand). Cytogenetic location: 2p13.1.
Variant type: single nucleotide variant.
Coding change: c.1433-3T>C on transcript NM_001378454.1 (MANE Select); 3 bases into the intron before coding-DNA position 1433, T replaced by C.
Molecular consequence: intron variant.
Genome position (GRCh38, 1-based): chr2:73,447,957, T>C. VCF-style: chr2-73447957-T-C. GRCh37 (hg19) VCF-style: chr2-73675087-T-C.
Other names: c.1433-3T>C (NM_015120.4); c.1436-3T>C (NM_015120.4).
Identifiers: ClinVar variation 557366 (VCV000557366.7), dbSNP rs367710998, ClinGen allele CA1713170.
Genomic context (GRCh38, chr2:73,447,957, plus strand): 5'-CCAGCACATAGAATTTTAAAATAGAAAATTTTATATACTATTAACAAATCTCTTTTTCTT[T>C]AGGAGACACTTCTAAAGGAGGCATAGCTAAAGTTACTCAATCCAACTTGAAGTCAGGCAT-3'